The following is an entry in ClinVar:

NM_000355.4(TCN2):c.606del (p.Phe203fs)

Gene: TCN2 (transcobalamin 2; plus strand). Cytogenetic location: 22q12.2.
Variant type: Deletion.
Coding change: c.606del on transcript NM_000355.4 (MANE Select); coding-DNA position 606, one base deleted (A; older notation c.606delA).
Protein change: p.Phe203fs; shifts the reading frame from phenylalanine 203.
Molecular consequence: frameshift variant.
Genome position (GRCh38, 1-based): chr22:30,615,326, A deleted. VCF-style (leftmost placement, unchanged base first): chr22-30615325-CA-C. GRCh37 (hg19) VCF-style: chr22-31011312-CA-C.
Other names: c.525del, p.Phe176fs (NM_001184726.2); short protein forms F176fs, F203fs.
Identifiers: ClinVar variation 4293825 (VCV004293825.2).
Genomic context (GRCh38, chr22:30,615,325, plus strand): 5'-CTCCAGCTCATTGCATGTTCTGTCCCCCACTTCAAGACACAGCAGCCATGGCAGGCTTGG[CA>C]TTCACCTGTCTGAAGCGCTCAAACTTCAACCCTGGTCGGAGACAACGGATCACCATGGCC-3'

ClinVar aggregate classification (germline): Pathogenic (1 of 4 stars; one submission).

Conditions:
Transcobalamin II deficiency (TCN2D). Also called: Transcolabamin II deficiency; TC II DEFICIENCY; TCN2 DEFICIENCY. Identifiers: Orphanet 859, MedGen C0342701, MONDO:0010149, OMIM 275350.

Submission:

3billion
Classification: Pathogenic for Transcobalamin II deficiency. Last evaluated: 2025-06-13. Review status: criteria provided, single submitter. Criteria: ACMG Guidelines, 2015. Collection method: clinical testing. Allele origin: germline. Affected: yes.
Comment: The variant is not observed in the gnomAD v4.1.0 dataset. Predicted Consequence/Location: Frameshift: predicted to result in a loss or disruption of normal protein function through nonsense-mediated decay (NMD) or protein truncation. Multiple pathogenic variants are reported downstream of the variant. The variant has been reported to be associated with TCN2-related disorder (3billion dataset). Therefore, this variant is classified as Pathogenic according to the recommendation of ACMG/AMP guideline.